The following is an entry in ClinVar:

ClinVar aggregate classification (germline): Uncertain significance. Review status: criteria provided, multiple submitters, no conflicts (2 of 4 stars). 2 submissions from 2 submitters: Uncertain significance (2). Last evaluated 2026-04-27.

Conditions:
SIM1-related disorder. Also called: SIM1-related condition; SIM1-related disorders.

Allele frequency attached by ClinVar (database versions not stated): ESP Exome Variant Server 0.00008; gnomAD 0.00010; TOPMed 0.00011; ExAC 0.00012; gnomAD exomes 0.00030.
gnomAD v4.1: 461 of 1,612,886 alleles (0.029%); highest among the groups gnomAD compares: Non-Finnish European, 0.037%; no homozygotes.

Submissions (2):

PreventionGenetics, part of Exact Sciences
Classification: Uncertain significance for SIM1-related condition. Last evaluated: 2026-04-27. Review status: criteria provided, single submitter. Criteria: ACMG Guidelines, 2015. Collection method: clinical testing. Allele origin: germline.
Comment: The SIM1 c.454C>G variant is predicted to result in the amino acid substitution p.Gln152Glu. This variant has been reported in at least three individuals with obesity or Prader-Willi-like features; however, it was also observed in controls (Bonnefond et al. 2013. PubMed ID: 23778136; Ramachandrappa et al. 2013. PubMed ID: 23778139). Functional studies found this variant has slightly weakened activity (~80%) compared to wild type SIM1 (Bonnefond et al. 2013. PubMed ID: 23778136; Ramachandrappa et al. 2013. PubMed ID: 23778139). This variant is reported in 0.022% of alleles in individuals of European (non-Finnish) descent in gnomAD, which may be too frequent to be a primary cause of disease. Although we suspect this variant may be benign, at this time, the clinical significance of this variant is uncertain due to the absence of conclusive functional and genetic evidence.

Labcorp Genetics (formerly Invitae), Labcorp
Classification: Uncertain significance. Last evaluated: 2024-07-27. Review status: criteria provided, single submitter. Criteria: Invitae Variant Classification Sherloc (09022015). Collection method: clinical testing. Allele origin: germline.
Comment: This sequence change replaces glutamine, which is neutral and polar, with glutamic acid, which is acidic and polar, at codon 152 of the SIM1 protein (p.Gln152Glu). This variant is present in population databases (rs140908824, gnomAD 0.02%). This missense change has been observed in individual(s) with SIM1-related conditions (PMID: 23778136). ClinVar contains an entry for this variant (Variation ID: 2632842). An algorithm developed to predict the effect of missense changes on protein structure and function (PolyPhen-2) suggests that this variant¬†is likely to be tolerated. In summary, the available evidence is currently insufficient to determine the role of this variant in disease. Therefore, it has been classified as a Variant of Uncertain Significance.

Literature cited by the submitters: PubMed 23778136 (cited by Labcorp Genetics (formerly Invitae), Labcorp).

NM_005068.3(SIM1):c.454C>G (p.Gln152Glu)

Gene: SIM1 (SIM bHLH transcription factor 1; minus strand). Cytogenetic location: 6q16.3.
Variant type: single nucleotide variant.
Coding change: c.454C>G on transcript NM_005068.3 (MANE Select); coding-DNA position 454, C replaced by G.
Protein change: p.Gln152Glu; replaces glutamine 152 with glutamic acid.
Molecular consequence: missense variant.
Genome position (GRCh38, 1-based): chr6:100,449,594, G>C on the plus strand (C>G on the coding strand, the complement: SIM1 is on the minus strand). VCF-style: chr6-100449594-G-C. GRCh37 (hg19) VCF-style: chr6-100897470-G-C.
Other names: c.454C>G, p.Gln152Glu (NM_001374769.1); short protein forms Q152E.
Identifiers: ClinVar variation 2632842 (VCV002632842.5), dbSNP rs140908824, ClinGen allele CA3937313.